The following is an entry in ClinVar:

ClinVar aggregate classification (germline): Conflicting classifications of pathogenicity. Review status: criteria provided, conflicting classifications (1 of 4 stars). 2 submissions from 2 submitters: Likely pathogenic (1); Uncertain significance (1). Last evaluated 2023-11-27.

Conditions:
COL4A3-related disorder. Also called: COL4A3-Related Disorders; COL4A3-related condition.

Submissions (2):

Labcorp Genetics (formerly Invitae), Labcorp
Classification: Uncertain significance. Last evaluated: 2023-11-27. Review status: criteria provided, single submitter. Criteria: Invitae Variant Classification Sherloc (09022015). Collection method: clinical testing. Allele origin: germline.
Comment: This sequence change replaces glycine, which is neutral and non-polar, with valine, which is neutral and non-polar, at codon 856 of the COL4A3 protein (p.Gly856Val). This variant is not present in population databases (gnomAD no frequency). This variant has not been reported in the literature in individuals affected with COL4A3-related conditions. Advanced modeling of protein sequence and biophysical properties (such as structural, functional, and spatial information, amino acid conservation, physicochemical variation, residue mobility, and thermodynamic stability) performed at Invitae indicates that this missense variant is expected to disrupt COL4A3 protein function with a positive predictive value of 80%. In summary, the available evidence is currently insufficient to determine the role of this variant in disease. Therefore, it has been classified as a Variant of Uncertain Significance.

PreventionGenetics, part of Exact Sciences
Classification: Likely pathogenic for COL4A3-related condition. Last evaluated: 2023-07-07. Review status: criteria provided, single submitter. Criteria: ACMG Guidelines, 2015. Collection method: clinical testing. Allele origin: germline.
Comment: The COL4A3 c.2567G>T variant is predicted to result in the amino acid substitution p.Gly856Val. To our knowledge, this variant has not been reported in the literature or in a large population database, indicating this variant is rare. The p.Gly856 residue is located in the conserved triple helical domain, where substitutions of the glycine are usually pathogenic (UniProt residues 43-1438, Hudson et al. 1993. PubMed ID: 8253711). A different substitution at this residue (p.Gly856Glu) has been reported in a patient with autosomal recessive Alport syndrome (Storey et al 2013. PubMed ID: 24052634). This variant is interpreted as likely pathogenic.

NM_000091.5(COL4A3):c.2567G>T (p.Gly856Val)

Genes: COL4A3 (collagen type IV alpha 3 chain; plus strand), MFF-DT (MFF divergent transcript; minus strand). Cytogenetic location: 2q36.3.
Variant type: single nucleotide variant.
Coding change: c.2567G>T on transcript NM_000091.5 (MANE Select); coding-DNA position 2567, G replaced by T.
Protein change: p.Gly856Val; replaces glycine 856 with valine.
Molecular consequence: missense variant.
Genome position (GRCh38, 1-based): chr2:227,282,443, G>T. VCF-style: chr2-227282443-G-T. GRCh37 (hg19) VCF-style: chr2-228147159-G-T.
Other names: short protein forms G856V.
Identifiers: ClinVar variation 2631569 (VCV002631569.4), dbSNP rs2469769923, ClinGen allele CA350850392.
Genomic context (GRCh38, chr2:227,282,443, plus strand): 5'-GGCCAAAGGGAGACCCAGGAATTCCAGGCTTGGATAGATCAGGATTTCCTGGAGAAACTG[G>T]ATCACCAGGAATTCCAGGTCATCAAGGTGAAATGGGACCACTGGGTCAAAGAGGATATCC-3'
Protein context (NP_000082.2, residues 846-866): LDRSGFPGET[Gly856Val]SPGIPGHQGE